The following is an entry in ClinVar:

NM_032888.4(COL27A1):c.1763C>T (p.Pro588Leu)

Gene: COL27A1 (collagen type XXVII alpha 1 chain; plus strand). Cytogenetic location: 9q32.
Variant type: single nucleotide variant.
Coding change: c.1763C>T on transcript NM_032888.4 (MANE Select); coding-DNA position 1763, C replaced by T.
Protein change: p.Pro588Leu; replaces proline 588 with leucine.
Molecular consequence: missense variant.
Genome position (GRCh38, 1-based): chr9:114,169,318, C>T. VCF-style: chr9-114169318-C-T. GRCh37 (hg19) VCF-style: chr9-116931598-C-T.
Other names: short protein forms P588L.
Identifiers: ClinVar variation 2159852 (VCV002159852.1), dbSNP rs555851955, ClinGen allele CA5201466.
Genomic context (GRCh38, chr9:114,169,318, plus strand): 5'-TGAGCGATCTGACAACCAGGCCTAGCCCCAGACAGCCCCAGCCCAGTCAGCAGACCACCC[C>T]GGCCCTGGTATTGGCCCCGGCGCAATTCCTGTCCTCCAGCCCCCGGCCCACGAGCAGTGG-3'
Protein context (NP_116277.2, residues 578-598): RQPQPSQQTT[Pro588Leu]ALVLAPAQFL

ClinVar aggregate classification (germline): Uncertain significance (1 of 4 stars; one submission).

Allele frequency attached by ClinVar (database versions not stated): ExAC 0.00001; TOPMed 0.00001; gnomAD 0.00002; 1000 Genomes Project 30x 0.00016; 1000 Genomes Project 0.00020.
gnomAD v4.1: 16 of 1,612,666 alleles (0.00099%); highest among the groups gnomAD compares: Middle Eastern, 0.017%; no homozygotes.

Submission:

Labcorp Genetics (formerly Invitae), Labcorp
Classification: Uncertain significance. Last evaluated: 2022-08-19. Review status: criteria provided, single submitter. Criteria: Invitae Variant Classification Sherloc (09022015). Collection method: clinical testing. Allele origin: germline.
Comment: This sequence change replaces proline, which is neutral and non-polar, with leucine, which is neutral and non-polar, at codon 588 of the COL27A1 protein (p.Pro588Leu). This variant is present in population databases (rs555851955, gnomAD 0.007%). This variant has not been reported in the literature in individuals affected with COL27A1-related conditions. Advanced modeling of protein sequence and biophysical properties (such as structural, functional, and spatial information, amino acid conservation, physicochemical variation, residue mobility, and thermodynamic stability) performed at Invitae indicates that this missense variant is not expected to disrupt COL27A1 protein function. In summary, the available evidence is currently insufficient to determine the role of this variant in disease. Therefore, it has been classified as a Variant of Uncertain Significance.